The following is an entry in ClinVar:

ClinVar aggregate classification (germline): Uncertain significance (1 of 4 stars; one submission).

Conditions:
Lethal multiple pterygium syndrome (LMPS). Identifiers: Orphanet 33108, MedGen C1854678, MONDO:0009668, OMIM 253290.

Allele frequency attached by ClinVar (database versions not stated): gnomAD 0.00001; gnomAD exomes 0.00001; TOPMed 0.00003.
gnomAD v4.1: 5 of 1,613,506 alleles (0.00031%); highest among the groups gnomAD compares: Admixed American, 0.0083%; no homozygotes.

Submission:

Labcorp Genetics (formerly Invitae), Labcorp
Classification: Uncertain significance for Lethal multiple pterygium syndrome. Last evaluated: 2025-01-20. Review status: criteria provided, single submitter. Criteria: Invitae Variant Classification Sherloc (09022015). Collection method: clinical testing. Allele origin: germline.
Comment: This sequence change replaces valine, which is neutral and non-polar, with glutamic acid, which is acidic and polar, at codon 52 of the CHRND protein (p.Val52Glu). This variant is present in population databases (no rsID available, gnomAD 0.006%). This variant has not been reported in the literature in individuals affected with CHRND-related conditions. ClinVar contains an entry for this variant (Variation ID: 1416365). Invitae Evidence Modeling of protein sequence and biophysical properties (such as structural, functional, and spatial information, amino acid conservation, physicochemical variation, residue mobility, and thermodynamic stability) indicates that this missense variant is expected to disrupt CHRND protein function with a positive predictive value of 95%. In summary, the available evidence is currently insufficient to determine the role of this variant in disease. Therefore, it has been classified as a Variant of Uncertain Significance.

NM_000751.3(CHRND):c.155T>A (p.Val52Glu)

Gene: CHRND (cholinergic receptor nicotinic delta subunit; plus strand). Cytogenetic location: 2q37.1.
Variant type: single nucleotide variant.
Coding change: c.155T>A on transcript NM_000751.3 (MANE Select); coding-DNA position 155, T replaced by A.
Protein change: p.Val52Glu; replaces valine 52 with glutamic acid.
Molecular consequence: missense variant. On other transcripts: 5 prime UTR variant (2).
Genome position (GRCh38, 1-based): chr2:232,526,631, T>A. VCF-style: chr2-232526631-T-A. GRCh37 (hg19) VCF-style: chr2-233391341-T-A.
Other names: c.155T>A, p.Val52Glu (NM_001256657.2); c.-117T>A (NM_001311195.2, NM_001311196.2); short protein forms V52E.
Identifiers: ClinVar variation 1416365 (VCV001416365.7), dbSNP rs1260266473, ClinGen allele CA350996086.